The following is an entry in ClinVar:

NM_000350.3(ABCA4):c.4775G>A (p.Gly1592Asp)

Genes: ABCA4 (ATP binding cassette subfamily A member 4; minus strand), LOC126805793 (CDK7 strongly-dependent group 2 enhancer GRCh37_chr1:94486302-94487501; plus strand). Cytogenetic location: 1p22.1.
Variant type: single nucleotide variant.
Coding change: c.4775G>A on transcript NM_000350.3 (MANE Select); coding-DNA position 4775, G replaced by A.
Protein change: p.Gly1592Asp; replaces glycine 1592 with aspartic acid.
Molecular consequence: missense variant.
Genome position (GRCh38, 1-based): chr1:94,021,713, C>T on the plus strand (G>A on the coding strand, the complement: ABCA4 is on the minus strand). VCF-style: chr1-94021713-C-T. GRCh37 (hg19) VCF-style: chr1-94487269-C-T.
Other names: c.4553G>A, p.Gly1518Asp (NM_001425324.1); short protein forms G1592D, G1518D.
Identifiers: ClinVar variation 853274 (VCV000853274.10), dbSNP rs1425552175, ClinGen allele CA341283719.

ClinVar aggregate classification (germline): Conflicting classifications of pathogenicity. Review status: criteria provided, conflicting classifications (1 of 4 stars). 3 submissions from 3 submitters: Pathogenic (2); Uncertain significance (1). Last evaluated 2024-01-24.

Conditions:
ABCA4-related disorder. Also called: ABCA4-related disorders; ABCA4-related condition. Identifiers: MedGen CN239167.

Allele frequency attached by ClinVar (database versions not stated): gnomAD exomes below 0.00001; gnomAD 0.00001.
gnomAD v4.1: 5 of 1,610,310 alleles (0.00031%); highest among the groups gnomAD compares: African/African-American, 0.0027%; no homozygotes.

Submissions (3):

Labcorp Genetics (formerly Invitae), Labcorp
Classification: Pathogenic. Last evaluated: 2024-01-24. Review status: criteria provided, single submitter. Criteria: Invitae Variant Classification Sherloc (09022015). Collection method: clinical testing. Allele origin: germline.
Comment: This sequence change replaces glycine, which is neutral and non-polar, with aspartic acid, which is acidic and polar, at codon 1592 of the ABCA4 protein (p.Gly1592Asp). This variant is not present in population databases (gnomAD no frequency). This missense change has been observed in individual(s) with Stargardt disease (PMID: 30060493, 32845068, 33301772; Invitae). ClinVar contains an entry for this variant (Variation ID: 853274). An algorithm developed to predict the effect of missense changes on protein structure and function (PolyPhen-2) suggests that this variant is likely to be disruptive. For these reasons, this variant has been classified as Pathogenic.

GeneDx
Classification: Uncertain significance. Last evaluated: 2022-06-16. Review status: criteria provided, single submitter. Criteria: GeneDx Variant Classification Process June 2021. Collection method: clinical testing. Allele origin: germline. Affected: yes.
Comment: In silico analysis supports that this missense variant has a deleterious effect on protein structure/function; This variant is associated with the following publications: (PMID: 30060493, 32845068, 33301772)

Blueprint Genetics
Classification: Pathogenic for ABCA4-related disorders. Last evaluated: 2021-07-12. Review status: criteria provided, single submitter. Criteria: ACMG Guidelines, 2015. Collection method: clinical testing. Allele origin: germline. Affected: yes. Observed: 5 variant alleles.

Literature cited by the submitters: PubMed 30060493 (cited by Labcorp Genetics (formerly Invitae), Labcorp); PubMed 32845068 (cited by Labcorp Genetics (formerly Invitae), Labcorp); PubMed 33301772 (cited by Labcorp Genetics (formerly Invitae), Labcorp).